The following is an entry in ClinVar:

ClinVar aggregate classification (germline): Uncertain significance. Review status: criteria provided, multiple submitters, no conflicts (2 of 4 stars). 2 submissions from 2 submitters: Uncertain significance (2). Last evaluated 2024-07-06.

Conditions:
Familial focal epilepsy with variable foci (FPEVF). Identifiers: Orphanet 98820, MedGen C1858477, MONDO:0020310.
Inborn genetic diseases. Identifiers: MedGen C0950123, MeSH D030342.

Allele frequency attached by ClinVar (database versions not stated): TOPMed below 0.00001.
gnomAD v4.1: 1 of 1,614,012 alleles (0.000062%); no homozygotes.

Submissions (2):

Labcorp Genetics (formerly Invitae), Labcorp
Classification: Uncertain significance for Familial focal epilepsy with variable foci. Last evaluated: 2024-07-06. Review status: criteria provided, single submitter. Criteria: Invitae Variant Classification Sherloc (09022015). Collection method: clinical testing. Allele origin: germline.
Comment: This sequence change replaces aspartic acid, which is acidic and polar, with valine, which is neutral and non-polar, at codon 390 of the DEPDC5 protein (p.Asp390Val). This variant is not present in population databases (gnomAD no frequency). This variant has not been reported in the literature in individuals affected with DEPDC5-related conditions. ClinVar contains an entry for this variant (Variation ID: 2273639). Experimental studies and prediction algorithms are not available or were not evaluated, and the functional significance of this variant is currently unknown. In summary, the available evidence is currently insufficient to determine the role of this variant in disease. Therefore, it has been classified as a Variant of Uncertain Significance.

Ambry Genetics
Classification: Uncertain significance for Inborn genetic diseases. Last evaluated: 2022-01-26. Review status: criteria provided, single submitter. Criteria: Ambry Variant Classification Scheme 2023. Collection method: clinical testing. Allele origin: germline.

NM_001242896.3(DEPDC5):c.1169A>T (p.Asp390Val)

Gene: DEPDC5 (DEP domain containing 5, GATOR1 subcomplex subunit; plus strand). Cytogenetic location: 22q12.3.
Variant type: single nucleotide variant.
Coding change: c.1169A>T on transcript NM_001242896.3 (MANE Select); coding-DNA position 1169, A replaced by T.
Protein change: p.Asp390Val; replaces aspartic acid 390 with valine.
Molecular consequence: missense variant. On other transcripts: non-coding transcript variant (5).
Genome position (GRCh38, 1-based): chr22:31,804,867, A>T. VCF-style: chr22-31804867-A-T. GRCh37 (hg19) VCF-style: chr22-32200853-A-T.
Other names: c.1169A>T, p.Asp390Val (NM_001007188.4, NM_001136029.4, NM_001242897.2 and 7 more transcripts); c.1085A>T, p.Asp362Val (NM_001369901.1, NM_001369902.1); short protein forms D362V, D390V.
Identifiers: ClinVar variation 2273639 (VCV002273639.4), dbSNP rs2087323835, ClinGen allele CA411293552.